The following is an entry in ClinVar:

ClinVar aggregate classification (germline): Uncertain significance. Review status: criteria provided, multiple submitters, no conflicts (2 of 4 stars). 3 submissions from 3 submitters: Uncertain significance (3). Last evaluated 2025-08-30.

Allele frequency attached by ClinVar (database versions not stated): ExAC 0.00004; TOPMed 0.00005; gnomAD 0.00006; 1000 Genomes Project 30x 0.00016; 1000 Genomes Project 0.00020.
gnomAD v4.1: 69 of 1,598,442 alleles (0.0043%); highest among the groups gnomAD compares: Middle Eastern, 0.034%; 1 homozygote.

Submissions (3):

Ambry Genetics
Classification: Uncertain significance. Last evaluated: 2025-08-30. Review status: criteria provided, single submitter. Criteria: Ambry Variant Classification Scheme 2023. Collection method: clinical testing. Allele origin: germline.

GeneDx
Classification: Uncertain significance. Last evaluated: 2025-02-11. Review status: criteria provided, single submitter. Criteria: GeneDx Variant Classification Process June 2021. Collection method: clinical testing. Allele origin: germline. Affected: yes.
Comment: Not observed at significant frequency in large population cohorts (gnomAD); In silico analysis indicates that this missense variant does not alter protein structure/function; Has not been previously published as pathogenic or benign to our knowledge

Labcorp Genetics (formerly Invitae), Labcorp
Classification: Uncertain significance. Last evaluated: 2022-04-11. Review status: criteria provided, single submitter. Criteria: Invitae Variant Classification Sherloc (09022015). Collection method: clinical testing. Allele origin: germline.
Comment: This sequence change replaces isoleucine, which is neutral and non-polar, with valine, which is neutral and non-polar, at codon 752 of the CACNA1B protein (p.Ile752Val). This variant is present in population databases (rs561098435, gnomAD 0.01%). This variant has not been reported in the literature in individuals affected with CACNA1B-related conditions. Advanced modeling of protein sequence and biophysical properties (such as structural, functional, and spatial information, amino acid conservation, physicochemical variation, residue mobility, and thermodynamic stability) performed at Invitae indicates that this missense variant is not expected to disrupt CACNA1B protein function. In summary, the available evidence is currently insufficient to determine the role of this variant in disease. Therefore, it has been classified as a Variant of Uncertain Significance.

NM_000718.4(CACNA1B):c.2254A>G (p.Ile752Val)

Genes: CACNA1B (calcium voltage-gated channel subunit alpha1 B; plus strand), LOC108254695 (9q34.3 CACNA1B recombination region; plus strand). Cytogenetic location: 9q34.3.
Variant type: single nucleotide variant.
Coding change: c.2254A>G on transcript NM_000718.4 (MANE Select); coding-DNA position 2254, A replaced by G.
Protein change: p.Ile752Val; replaces isoleucine 752 with valine.
Molecular consequence: missense variant.
Genome position (GRCh38, 1-based): chr9:138,013,222, A>G. VCF-style: chr9-138013222-A-G. GRCh37 (hg19) VCF-style: chr9-140907674-A-G.
Other names: c.2254A>G (NM_000718.3); c.2254A>G, p.Ile752Val (NM_001243812.2); short protein forms I752V.
Identifiers: ClinVar variation 2184434 (VCV002184434.3), dbSNP rs561098435, ClinGen allele CA5376418.
Genomic context (GRCh38, chr9:138,013,222, plus strand): 5'-AAGCTTGCTCTGCAAAAGGCCAAAGAAGTGGCTGAAGTCAGCCCCATGTCTGCCGCGAAC[A>G]TCTCCATCGCCGCGTAAGGCTCCTAGGAGTGGATTGTGGGGTGGCAGTGGGGCTGCTGCA-3'
Protein context (NP_000709.1, residues 742-762): AEVSPMSAAN[Ile752Val]SIAARQQNSA